The following is an entry in ClinVar:

NM_001159702.3(FHL1):c.838G>C (p.Val280Leu)

Gene: FHL1 (four and a half LIM domains 1; plus strand). Cytogenetic location: Xq26.3.
Variant type: single nucleotide variant.
Coding change: c.838G>C on transcript NM_001159702.3 (MANE Plus Clinical); coding-DNA position 838, G replaced by C.
Protein change: p.Val280Leu; replaces valine 280 with leucine.
Molecular consequence: missense variant. On other transcripts: intron variant (11).
Genome position (GRCh38, 1-based): chrX:136,209,392, G>C. VCF-style: chrX-136209392-G-C. GRCh37 (hg19) VCF-style: chrX-135291551-G-C.
Other names: c.838G>C, p.Val280Leu (NM_001369326.1, NM_001369327.2, NM_001369328.1); c.689-479G>C (NM_001449.5, NM_001369329.1, NM_001369330.1 and 4 more transcripts); c.502-479G>C (NM_001159703.2); c.776-479G>C (NM_001159701.2); c.737-479G>C (NM_001159699.2); c.550-479G>C (NM_001330659.2); short protein forms V280L.
Identifiers: ClinVar variation 3897445 (VCV003897445.1).

ClinVar aggregate classification (germline): Uncertain significance (1 of 4 stars; one submission).

Submission:

GeneDx
Classification: Uncertain significance. Last evaluated: 2024-10-30. Review status: criteria provided, single submitter. Criteria: GeneDx Variant Classification Process June 2021. Collection method: clinical testing. Allele origin: germline. Affected: yes.
Comment: Has not been previously published as pathogenic or benign to our knowledge; In silico analysis suggests this variant may impact gene splicing. In the absence of RNA/functional studies, the actual effect of this sequence change is unknown.; In silico analysis indicates that this variant does not alter splicing; Not observed at significant frequency in large population cohorts (gnomAD); Reported using an alternate transcript of the gene